The following is an entry in ClinVar:

NM_000268.4(NF2):c.1609_1614del (p.Glu537_Gln538del)

Gene: NF2 (NF2, moesin-ezrin-radixin like (MERLIN) tumor suppressor; plus strand). Cytogenetic location: 22q12.2.
Variant type: Deletion.
Coding change: c.1609_1614del on transcript NM_000268.4 (MANE Select); coding-DNA positions 1609 to 1614, 6 bases deleted (GAGCAG; older notation c.1609_1614delGAGCAG).
Protein change: p.Glu537_Gln538del.
Molecular consequence: inframe deletion. On other transcripts: non-coding transcript variant (1), intron variant (1).
Genome position (GRCh38, 1-based): chr22:29,681,473-29,681,478, GAGCAG deleted; deleting any 6 consecutive bases within chr22:29,681,469-29,681,478 gives the same sequence; the c. name uses the placement nearest the transcript's 3' end. VCF-style (leftmost placement, unchanged base first): chr22-29681468-TGCAGGA-T. GRCh37 (hg19) VCF-style: chr22-30077457-TGCAGGA-T.
Other names: c.1609_1614del, p.Glu537_Gln538del (NM_016418.5, NM_181825.3, NM_181832.3); c.1483_1488del, p.Glu495_Gln496del (NM_181828.3); c.1486_1491del, p.Glu496_Gln497del (NM_181829.3); c.1360_1365del, p.Glu454_Gln455del (NM_181830.3, NM_181831.3); c.448-13279_448-13274del (NM_181833.3).
Identifiers: ClinVar variation 1436330 (VCV001436330.6), dbSNP rs2147122568, ClinGen allele CA2573157892.
Genomic context (GRCh38, chr22:29,681,468, plus strand): 5'-GCCCTGATGCATGATACCCTCTTGCCGGCAGAGTGGAATACATGGAAAAGAGCAAGCATC[TGCAGGA>T]GCAGCTCAATGAACTCAAGACAGAAATCGAGGCCTTGAAACTGAAAGAGAGGGAGACAGC-3'

ClinVar aggregate classification (germline): Uncertain significance (1 of 4 stars; one submission).

Conditions:
Neurofibromatosis, type 2 (SWNV). Also called: BILATERAL ACOUSTIC NEUROFIBROMATOSIS; SCHWANNOMATOSIS, VESTIBULAR; NF2-Related Schwannomatosis. Identifiers: Orphanet 637, MedGen C0027832, MONDO:0007039, OMIM 101000. Disease mechanism: loss of function.

Submission:

Labcorp Genetics (formerly Invitae), Labcorp
Classification: Uncertain significance for Neurofibromatosis, type 2. Last evaluated: 2021-09-01. Review status: criteria provided, single submitter. Criteria: Invitae Variant Classification Sherloc (09022015). Collection method: clinical testing. Allele origin: germline.
Comment: This variant, c.1609_1614del, results in the deletion of 2 amino acid(s) of the NF2 protein (p.Glu537_Gln538del), but otherwise preserves the integrity of the reading frame. This variant is not present in population databases (ExAC no frequency). This variant has not been reported in the literature in individuals affected with NF2-related conditions. In summary, the available evidence is currently insufficient to determine the role of this variant in disease. Therefore, it has been classified as a Variant of Uncertain Significance.